The following is an entry in ClinVar:

NM_000052.7(ATP7A):c.2452A>G (p.Thr818Ala)

Gene: ATP7A (ATPase copper transporting alpha; plus strand). Cytogenetic location: Xq21.1.
Variant type: single nucleotide variant.
Coding change: c.2452A>G on transcript NM_000052.7 (MANE Select); coding-DNA position 2452, A replaced by G.
Protein change: p.Thr818Ala; replaces threonine 818 with alanine.
Molecular consequence: missense variant.
Genome position (GRCh38, 1-based): chrX:78,014,707, A>G. VCF-style: chrX-78014707-A-G. GRCh37 (hg19) VCF-style: chrX-77270204-A-G.
Other names: p.Thr818Ala; c.2218A>G, p.Thr740Ala (NM_001282224.2); short protein forms T818A, T740A.
Identifiers: ClinVar variation 210428 (VCV000210428.63), dbSNP rs201788154, ClinGen allele CA207468.

ClinVar aggregate classification (germline): Benign/Likely benign. Review status: criteria provided, multiple submitters, no conflicts (2 of 4 stars). 13 submissions from 13 submitters: Benign (2); Likely benign (8). 3 of the submissions do not count toward it. Last evaluated 2026-01-29.

Conditions:
ATP7A-related disorder. Also called: ATP7A-related condition.
Inborn genetic diseases. Identifiers: MedGen C0950123, MeSH D030342.
Menkes kinky-hair syndrome (MNK). Also called: Menkes Disease; Classic Menkes Disease; Copper transport disease. Identifiers: Orphanet 565, MedGen C0022716, MONDO:0010651, OMIM 309400.
Cutis laxa, X-linked (OHS). Also called: Occipital horn syndrome; EDS IX. Identifiers: Orphanet 198, MedGen C0268353, MONDO:0010572, OMIM 304150.
X-linked distal spinal muscular atrophy type 3. Also called: NEURONOPATHY, DISTAL HEREDITARY MOTOR, X-LINKED; NEUROPATHY, DISTAL HEREDITARY MOTOR, X-LINKED; ATP7A-Related Distal Motor Neuropathy; SPINAL MUSCULAR ATROPHY, DISTAL, X-LINKED RECESSIVE. Identifiers: Orphanet 139557, MedGen C1845359, MONDO:0010338, OMIM 300489.

Allele frequency attached by ClinVar (database versions not stated): 1000 Genomes Project 30x 0.00021; 1000 Genomes Project 0.00026; ESP Exome Variant Server 0.00028; ExAC 0.00033; gnomAD exomes 0.00033 and 0.00034; TOPMed 0.00035; gnomAD 0.00039 and 0.00044.
gnomAD v4.1: 423 of 1,207,206 alleles (0.035%); highest among the groups gnomAD compares: Middle Eastern, 0.35%; no homozygotes.

Submissions (13):

Labcorp Genetics (formerly Invitae), Labcorp
Classification: Benign for X-linked distal spinal muscular atrophy type 3; Cutis laxa, X-linked; Menkes kinky-hair syndrome. Last evaluated: 2026-01-29. Review status: criteria provided, single submitter. Criteria: Invitae Variant Classification Sherloc (09022015). Collection method: clinical testing. Allele origin: germline.

Women's Health and Genetics/Laboratory Corporation of America, LabCorp
Classification: Likely benign. Last evaluated: 2026-01-20. Review status: criteria provided, single submitter. Criteria: LabCorp Variant Classification Summary - May 2015. Collection method: clinical testing. Allele origin: germline.
Comment: Variant summary: ATP7A c.2452A>G (p.Thr818Ala) results in a non-conservative amino acid change in the encoded protein sequence. Algorithms developed to predict the effect of missense changes on protein structure and function all suggest that this variant is likely to be disruptive. The variant allele was found at a frequency of 0.0003504 in 1207206 control chromosomes, including 117 hemizygotes, predominantly at a frequency of 0.003455 within the Middle Eastern subpopulation in the gnomAD v4 database. The observed variant frequency exceeds the estimated maximal expected allele frequency for disease-causing variants in ATP7A. To our knowledge, no occurrence of c.2452A>G in individuals affected with ATP7A-related conditions and no experimental evidence demonstrating its impact on protein function have been reported. ClinVar contains an entry for this variant (Variation ID: 210428). Based on the evidence outlined above, the variant was classified as likely benign.

ARUP Laboratories, Molecular Genetics and Genomics, ARUP Laboratories
Classification: Likely benign. Last evaluated: 2024-12-19. Review status: criteria provided, single submitter. Criteria: ARUP Molecular Germline Variant Investigation Process 2024. Collection method: clinical testing. Allele origin: germline.

Blueprint Genetics
Classification: Likely benign. Last evaluated: 2024-11-26. Review status: criteria provided, single submitter. Criteria: ACMG Guidelines, 2015. Collection method: clinical testing. Allele origin: germline.

Mayo Clinic Laboratories, Mayo Clinic
Classification: Benign. Last evaluated: 2024-08-06. Review status: criteria provided, single submitter. Criteria: ACMG Guidelines, 2015. Collection method: clinical testing. Allele origin: germline. Observed: 3 variant alleles.
Comment: BS1, BS2

CeGaT Center for Human Genetics Tuebingen
Classification: Likely benign. Last evaluated: 2024-04-01. Review status: criteria provided, single submitter. Criteria: CeGaT Center For Human Genetics Tuebingen Variant Classification Criteria Version 2. Collection method: clinical testing. Allele origin: germline. Affected: yes. Observed: 4 variant alleles.
Comment: ATP7A: BS2

Ambry Genetics
Classification: Likely benign for Inborn genetic diseases. Last evaluated: 2023-12-01. Review status: criteria provided, single submitter. Criteria: Ambry Variant Classification Scheme 2023. Collection method: clinical testing. Allele origin: germline.

GeneDx
Classification: Likely benign. Last evaluated: 2020-11-24. Review status: criteria provided, single submitter. Criteria: GeneDx Variant Classification Process June 2021. Collection method: clinical testing. Allele origin: germline. Affected: yes.
Comment: This variant is associated with the following publications: (PMID: 32818659)

Genetic Services Laboratory, University of Chicago
Classification: Likely benign. Last evaluated: 2013-02-08. Review status: criteria provided, single submitter. Criteria: ACMG Guidelines, 2007. Collection method: clinical testing. Allele origin: germline.

Breakthrough Genomics
Classification: Likely benign. Review status: criteria provided, single submitter. Criteria: ACMG Guidelines, 2015. Collection method: not provided. Allele origin: germline. Inheritance: X-linked inheritance. Affected: yes.

PreventionGenetics, part of Exact Sciences
Classification: Likely benign for ATP7A-related condition. Last evaluated: 2019-04-18. Review status: no assertion criteria provided. Collection method: clinical testing. Allele origin: germline. Not counted in ClinVar's aggregate classification.
Comment: This variant is classified as likely benign based on ACMG/AMP sequence variant interpretation guidelines (Richards et al. 2015 PMID: 25741868, with internal and published modifications).

Clinical Genetics DNA and cytogenetics Diagnostics Lab, Erasmus MC, Erasmus Medical Center
Classification: Likely benign. Review status: no assertion criteria provided. Collection method: clinical testing. Allele origin: germline. Affected: yes. Study: VKGL Data-share Consensus. Not counted in ClinVar's aggregate classification.

Clinical Genetics, Academic Medical Center
Classification: Likely benign. Review status: no assertion criteria provided. Collection method: clinical testing. Allele origin: germline. Affected: yes. Study: VKGL Data-share Consensus. Not counted in ClinVar's aggregate classification.

Literature cited by the submitters: PubMed 32818659 (cited by Mayo Clinic Laboratories, Mayo Clinic).